The following is an entry in ClinVar:

Conditions:
Long QT syndrome 5 (LQT5). Identifiers: Orphanet 101016, Orphanet 768, MedGen C1867904, MONDO:0013372, OMIM 613695.

Submission:

Roden Lab, Vanderbilt University Medical Center
No classification provided (evidence only). Condition: Long QT syndrome 5. Review status: no classification provided. Collection method: in vitro. Allele origin: not applicable. Functional consequence: Effect on ion channel function.
ClinVar note: "not provided" was previously submitted as the classification for the variant. However, the classification appeared to be based only on an observation of functional data so it was converted to no classification on 2025-07-30.

NM_000219.6(KCNE1):c.62T>C (p.Val21Ala)

Gene: KCNE1 (potassium voltage-gated channel subfamily E regulatory subunit 1; minus strand). Cytogenetic location: 21q22.12.
Variant type: single nucleotide variant.
Coding change: c.62T>C on transcript NM_000219.6 (MANE Select); coding-DNA position 62, T replaced by C.
Protein change: p.Val21Ala; replaces valine 21 with alanine.
Molecular consequence: missense variant.
Genome position (GRCh38, 1-based): chr21:34,449,573, A>G on the plus strand (T>C on the coding strand, the complement: KCNE1 is on the minus strand). VCF-style: chr21-34449573-A-G. GRCh37 (hg19) VCF-style: chr21-35821871-A-G.
Other names: c.62T>C, p.Val21Ala (NM_001127668.4, NM_001127669.4, NM_001127670.4 and 4 more transcripts); short protein forms V21A.
Identifiers: ClinVar variation 3373942 (VCV003373942.2).